The following is an entry in ClinVar:

NM_020937.4(FANCM):c.5300A>T (p.Asp1767Val)

Gene: FANCM (FA complementation group M; plus strand). Cytogenetic location: 14q21.2.
Variant type: single nucleotide variant.
Coding change: c.5300A>T on transcript NM_020937.4 (MANE Select); coding-DNA position 5300, A replaced by T.
Protein change: p.Asp1767Val; replaces aspartic acid 1767 with valine.
Molecular consequence: missense variant.
Genome position (GRCh38, 1-based): chr14:45,189,322, A>T. VCF-style: chr14-45189322-A-T. GRCh37 (hg19) VCF-style: chr14-45658525-A-T.
Other names: c.5222A>T, p.Asp1741Val (NM_001308133.2); short protein forms D1741V, D1767V.
Identifiers: ClinVar variation 5021495 (VCV005021495.1).

ClinVar aggregate classification (germline): Uncertain significance (1 of 4 stars; one submission).

Conditions:
Inborn genetic diseases. Identifiers: MedGen C0950123, MeSH D030342.

Submission:

Ambry Genetics
Classification: Uncertain significance for Inborn genetic diseases. Last evaluated: 2026-08-13. Review status: criteria provided, single submitter. Criteria: Ambry Variant Classification Scheme 2023. Collection method: clinical testing. Allele origin: germline.
Comment: The p.D1767V variant (also known as c.5300A>T), located in coding exon 20 of the FANCM gene, results from an A to T substitution at nucleotide position 5300. The aspartic acid at codon 1767 is replaced by valine, an amino acid with highly dissimilar properties. This amino acid position is conserved. In addition, this alteration is predicted to be tolerated by in silico analysis. Based on the available evidence, the clinical significance of this variant remains unclear.